The following is an entry in ClinVar:

NM_014285.7(EXOSC2):c.89G>T (p.Gly30Val)

Genes: EXOSC2 (exosome component 2; plus strand), LOC130002815 (ATAC-STARR-seq lymphoblastoid active region 29156; plus strand). Cytogenetic location: 9q34.12.
Variant type: single nucleotide variant.
Coding change: c.89G>T on transcript NM_014285.7 (MANE Select); coding-DNA position 89, G replaced by T.
Protein change: p.Gly30Val; replaces glycine 30 with valine.
Molecular consequence: missense variant. On other transcripts: non-coding transcript variant (1).
Genome position (GRCh38, 1-based): chr9:130,693,880, G>T. VCF-style: chr9-130693880-G-T. GRCh37 (hg19) VCF-style: chr9-133569267-G-T.
Other names: c.89G>T, p.Gly30Val (NM_001282708.1, NM_001282709.1); short protein forms G30V.
Identifiers: ClinVar variation 446202 (VCV000446202.38), dbSNP rs537467155, ClinGen allele CA5284733.
Genomic context (GRCh38, chr9:130,693,880, plus strand): 5'-CTCGCAAGCCTCTTAGCGAGAGACTGGGCCGCGACACTAAGAAACATCTAGTGGTGCCGG[G>T]GGATACAATCACTACGGACACAGGATTCATGCGGTACGTGGGGACTTGGGGGAGTCGAGG-3'
Protein context (NP_055100.2, residues 20-40): RDTKKHLVVP[Gly30Val]DTITTDTGFM

ClinVar aggregate classification (germline): Conflicting classifications of pathogenicity. Review status: criteria provided, conflicting classifications (1 of 4 stars). 8 submissions from 8 submitters: Likely pathogenic (4); Uncertain significance (3). 1 of the submissions does not count toward it. Last evaluated 2026-08-06.

Conditions:
Retinitis pigmentosa-hearing loss-premature aging-short stature-facial dysmorphism syndrome. Also called: Short stature, hearing loss, retinitis pigmentosa, and distinctive facies. Identifiers: Orphanet 494439, MedGen C4540367, MONDO:0044634, OMIM 617763.

Allele frequency attached by ClinVar (database versions not stated): ExAC 0.00002; TOPMed 0.00004; gnomAD 0.00005 and 0.00006.
gnomAD v4.1: 38 of 1,611,976 alleles (0.0024%); highest among the groups gnomAD compares: Middle Eastern, 0.016%; no homozygotes.

Submissions (8):

OLLIN Analises Genomicas, OLLIN
Classification: Likely pathogenic. Last evaluated: 2026-08-06. Review status: criteria provided, single submitter. Criteria: ACMG Guidelines 2015 PMID 25741868. Collection method: clinical testing. Allele origin: de novo.
Comment: This missense variant, located in exon 1 (of 9), has been reported in ClinVar (accession VCV000446202.35), in gnomAD with an allele frequency of 0.0024%, and in the scientific literature, also being identified de novo, segregating with the phenotype, and in compound heterozygosity, in individuals with EXOSC2 related disorders (PMID: 14647208). In silico analysis predicts that this variant has a deleterious effect. According to the currently available evidence, this variant has been classified as likely pathogenic (PS2, PM2_P, PM3, PP1, PP3).

First Genomix Gene Laboratory, Genetic Diagnostics Department
Classification: Likely pathogenic for Retinitis pigmentosa-hearing loss-premature aging-short stature-facial dysmorphism syndrome. Last evaluated: 2025-07-18. Review status: criteria provided, single submitter. Criteria: ACMG Guidelines, 2015. Collection method: clinical testing. Allele origin: germline. Inheritance: Autosomal recessive inheritance. Affected: no. Observed: 1 variant allele.

Labcorp Genetics (formerly Invitae), Labcorp
Classification: Uncertain significance. Last evaluated: 2024-12-02. Review status: criteria provided, single submitter. Criteria: Invitae Variant Classification Sherloc (09022015). Collection method: clinical testing. Allele origin: germline.
Comment: This sequence change replaces glycine, which is neutral and non-polar, with valine, which is neutral and non-polar, at codon 30 of the EXOSC2 protein (p.Gly30Val). This variant is present in population databases (rs537467155, gnomAD 0.004%). This missense change has been observed in individuals with EXOSC2-related conditions (PMID: 26843489). ClinVar contains an entry for this variant (Variation ID: 446202). Invitae Evidence Modeling of protein sequence and biophysical properties (such as structural, functional, and spatial information, amino acid conservation, physicochemical variation, residue mobility, and thermodynamic stability) indicates that this missense variant is expected to disrupt EXOSC2 protein function with a positive predictive value of 80%. Experimental studies have shown that this missense change affects EXOSC2 function (PMID: 31628467, 34162742). In summary, the available evidence is currently insufficient to determine the role of this variant in disease. Therefore, it has been classified as a Variant of Uncertain Significance.

CeGaT Center for Human Genetics Tuebingen
Classification: Likely pathogenic. Last evaluated: 2024-12-01. Review status: criteria provided, single submitter. Criteria: CeGaT Center For Human Genetics Tuebingen Variant Classification Criteria Version 2. Collection method: clinical testing. Allele origin: germline. Affected: yes. Observed: 3 variant alleles.
Comment: EXOSC2: PM2, PM3, PP3, PS3:Supporting

Institute of Human Genetics, University of Leipzig Medical Center
Classification: Likely pathogenic for Retinitis pigmentosa-hearing loss-premature aging-short stature-facial dysmorphism syndrome. Last evaluated: 2024-06-28. Review status: criteria provided, single submitter. Criteria: ACMG Guidelines, 2015. Collection method: clinical testing. Allele origin: unknown. Inheritance: Autosomal recessive inheritance. Affected: yes.
Comment: Criteria applied: PS3_SUP,PM2,PM3,PP3

Blueprint Genetics
Classification: Uncertain significance. Last evaluated: 2024-01-30. Review status: criteria provided, single submitter. Criteria: ACMG Guidelines, 2015. Collection method: clinical testing. Allele origin: germline.

Department of Pathology and Laboratory Medicine, Sinai Health System
Classification: Uncertain significance for Retinitis pigmentosa-hearing loss-premature aging-short stature-facial dysmorphism syndrome. Last evaluated: 2022-06-29. Review status: criteria provided, single submitter. Criteria: ACMG Guidelines, 2015. Collection method: research. Allele origin: germline.

OMIM
Classification: Pathogenic for SHORT STATURE, HEARING LOSS, RETINITIS PIGMENTOSA, AND DISTINCTIVE FACIES. Last evaluated: 2023-10-02. Review status: no assertion criteria provided. Collection method: literature only. Allele origin: germline. Not counted in ClinVar's aggregate classification.

Literature cited by the submitters: PubMed 14647208 (cited by OLLIN Analises Genomicas, OLLIN); PubMed 26843489 (cited by Labcorp Genetics (formerly Invitae), Labcorp and OMIM); PubMed 31628467 (cited by Labcorp Genetics (formerly Invitae), Labcorp and OMIM); PubMed 34162742 (cited by Labcorp Genetics (formerly Invitae), Labcorp).